The following is an entry in ClinVar:

ClinVar aggregate classification (germline): Uncertain significance (1 of 4 stars; one submission).

Allele frequency attached by ClinVar (database versions not stated): ExAC 0.00001; gnomAD 0.00001; TOPMed 0.00002; gnomAD exomes 0.00006.
gnomAD v4.1: 90 of 1,613,994 alleles (0.0056%); highest among the groups gnomAD compares: Non-Finnish European, 0.0069%; no homozygotes.

Submission:

Labcorp Genetics (formerly Invitae), Labcorp
Classification: Uncertain significance. Last evaluated: 2022-04-01. Review status: criteria provided, single submitter. Criteria: Invitae Variant Classification Sherloc (09022015). Collection method: clinical testing. Allele origin: germline.
Comment: This sequence change replaces serine, which is neutral and polar, with tyrosine, which is neutral and polar, at codon 668 of the LAMC3 protein (p.Ser668Tyr). This variant is present in population databases (rs781470104, gnomAD 0.0009%). This variant has not been reported in the literature in individuals affected with LAMC3-related conditions. Algorithms developed to predict the effect of missense changes on protein structure and function are either unavailable or do not agree on the potential impact of this missense change (SIFT: "Deleterious"; PolyPhen-2: "Benign"; Align-GVGD: "Class C15"). In summary, the available evidence is currently insufficient to determine the role of this variant in disease. Therefore, it has been classified as a Variant of Uncertain Significance.

NM_006059.4(LAMC3):c.2003C>A (p.Ser668Tyr)

Gene: LAMC3 (laminin subunit gamma 3; plus strand). Cytogenetic location: 9q34.12.
Variant type: single nucleotide variant.
Coding change: c.2003C>A on transcript NM_006059.4 (MANE Select); coding-DNA position 2003, C replaced by A.
Protein change: p.Ser668Tyr; replaces serine 668 with tyrosine.
Molecular consequence: missense variant.
Genome position (GRCh38, 1-based): chr9:131,056,992, C>A. VCF-style: chr9-131056992-C-A. GRCh37 (hg19) VCF-style: chr9-133932379-C-A.
Other names: short protein forms S668Y.
Identifiers: ClinVar variation 1919442 (VCV001919442.2), dbSNP rs781470104, ClinGen allele CA5287302.